The following is an entry in ClinVar:

ClinVar aggregate classification (germline): Uncertain significance (1 of 4 stars; one submission).

Submission:

GeneDx
Classification: Uncertain significance. Last evaluated: 2024-01-31. Review status: criteria provided, single submitter. Criteria: GeneDx Variant Classification Process June 2021. Collection method: clinical testing. Allele origin: germline. Affected: yes.
Comment: Not observed at significant frequency in large population cohorts (gnomAD); In silico analysis supports that this missense variant does not alter protein structure/function; Has not been previously published as pathogenic or benign to our knowledge

NM_080552.3(SLC32A1):c.144C>A (p.Asp48Glu)

Gene: SLC32A1 (solute carrier family 32 member 1; plus strand). Cytogenetic location: 20q11.23.
Variant type: single nucleotide variant.
Coding change: c.144C>A on transcript NM_080552.3 (MANE Select); coding-DNA position 144, C replaced by A.
Protein change: p.Asp48Glu; replaces aspartic acid 48 with glutamic acid.
Molecular consequence: missense variant.
Genome position (GRCh38, 1-based): chr20:38,724,868, C>A. VCF-style: chr20-38724868-C-A. GRCh37 (hg19) VCF-style: chr20-37353511-C-A.
Other names: short protein forms D48E.
Identifiers: ClinVar variation 3368621 (VCV003368621.1).
Genomic context (GRCh38, chr20:38,724,868, plus strand): 5'-CGCCAGGATGGGTTTTCAGGCGGCCACGGATGAGGAGGCGGTGGGCTTCGCGCATTGCGA[C>A]GACCTCGACTTTGAGCACCGCCAGGGCCTGCAGATGGACATCCTGAAAGCCGAGGGAGAG-3'
Protein context (NP_542119.1, residues 38-58): DEEAVGFAHC[Asp48Glu]DLDFEHRQGL